The following is an entry in ClinVar:

ClinVar aggregate classification (germline): Benign. Review status: criteria provided, multiple submitters, no conflicts (2 of 4 stars). 15 submissions from 12 submitters: Benign (15). Last evaluated 2026-02-04.

Conditions:
Congenital myopathy 18. Also called: Myopathy, congenital, due to dihydropyridine receptor defect; DIHYDROPYRIDINE RECEPTOR CONGENITAL MYOPATHY; DHPR CONGENITAL MYOPATHY. Identifiers: MedGen C5830283, MONDO:0859514, OMIM 620246.
Malignant hyperthermia, susceptibility to, 5 (MHS5). Also called: CACNA1S-Related Malignant Hyperthermia Susceptibility. Identifiers: Orphanet 423, MedGen C1866077, MONDO:0011163, OMIM 601887.
Hypokalemic periodic paralysis, type 1. Also called: HypoPP; Hypokalemic Periodic Paralysis Type 1 (AD). Identifiers: Orphanet 681, MedGen C3714580, MONDO:0042979, OMIM 170400.
Thyrotoxic periodic paralysis, susceptibility to, 1 (TTPP1). Identifiers: Orphanet 79102, MedGen C2749982, MONDO:0008570, OMIM 188580.

Allele frequency attached by ClinVar (database versions not stated): 1000 Genomes Project 30x 0.07979; TOPMed 0.08092; 1000 Genomes Project 0.08407; gnomAD 0.08709 and 0.08936; ESP Exome Variant Server 0.08927; gnomAD exomes 0.11568 and 0.11977; ExAC 0.11724.
gnomAD v4.1: 188,220 of 1,613,950 alleles (12%); highest among the groups gnomAD compares: South Asian, 21%; 12,268 homozygotes.

Submissions (15):

Labcorp Genetics (formerly Invitae), Labcorp
Classification: Benign for Hypokalemic periodic paralysis, type 1; Malignant hyperthermia, susceptibility to, 5. Last evaluated: 2026-02-04. Review status: criteria provided, single submitter. Criteria: Invitae Variant Classification Sherloc (09022015). Collection method: clinical testing. Allele origin: germline.

Blueprint Genetics
Classification: Benign. Last evaluated: 2024-11-26. Review status: criteria provided, single submitter. Criteria: ACMG Guidelines, 2015. Collection method: clinical testing. Allele origin: germline.

All of Us Research Program, National Institutes of Health
Classification: Benign for Malignant hyperthermia, susceptibility to, 5. Last evaluated: 2024-02-05. Review status: criteria provided, single submitter. Criteria: ACMG Guidelines, 2015. Collection method: clinical testing. Allele origin: germline. Inheritance: Autosomal dominant inheritance. Observed: 21,178 variant alleles, 19,876 heterozygotes, 1,302 homozygotes.
Comment: This study involves interpretation of variants in research participants for the purpose of population health screening. Participant phenotype was not available at the time of variant classification. Additional details can be found in publication PMID: 35346344, PMCID: PMC8962531

Genome-Nilou Lab
Classification: Benign for Malignant hyperthermia, susceptibility to, 5. Last evaluated: 2023-04-11. Review status: criteria provided, single submitter. Criteria: ACMG Guidelines, 2015. Collection method: clinical testing. Allele origin: germline. Affected: no.

Genome-Nilou Lab
Classification: Benign for Thyrotoxic periodic paralysis, susceptibility to, 1. Last evaluated: 2023-04-11. Review status: criteria provided, single submitter. Criteria: ACMG Guidelines, 2015. Collection method: clinical testing. Allele origin: germline. Affected: no.

Genome-Nilou Lab
Classification: Benign for Congenital myopathy 18. Last evaluated: 2023-04-11. Review status: criteria provided, single submitter. Criteria: ACMG Guidelines, 2015. Collection method: clinical testing. Allele origin: germline. Affected: no.

Genome-Nilou Lab
Classification: Benign for Hypokalemic periodic paralysis, type 1. Last evaluated: 2023-04-11. Review status: criteria provided, single submitter. Criteria: ACMG Guidelines, 2015. Collection method: clinical testing. Allele origin: germline. Affected: no.

Color Diagnostics, LLC DBA Color Health
Classification: Benign for Malignant hyperthermia, susceptibility to, 5. Last evaluated: 2018-03-05. Review status: criteria provided, single submitter. Criteria: ACMG Guidelines, 2015. Collection method: clinical testing. Allele origin: germline.

Illumina Laboratory Services, Illumina
Classification: Benign for Hypokalemic periodic paralysis, type 1. Last evaluated: 2018-01-13. Review status: criteria provided, single submitter. Criteria: ICSL Variant Classification Criteria 13 December 2019. Collection method: clinical testing. Allele origin: germline.
Comment: This variant was observed in the ICSL laboratory as part of a predisposition screen in an ostensibly healthy population. It had not been previously curated by ICSL or reported in the Human Gene Mutation Database (HGMD: prior to June 1st, 2018), and was therefore a candidate for classification through an automated scoring system. Utilizing variant allele frequency, disease prevalence and penetrance estimates, and inheritance mode, an automated score was calculated to assess if this variant is too frequent to cause the disease. Based on the score and internal cut-off values, a variant classified as benign is not then subjected to further curation. The score for this variant resulted in a classification of benign for this disease.

Athena Diagnostics
Classification: Benign. Last evaluated: 2017-08-31. Review status: criteria provided, single submitter. Criteria: Athena Diagnostics Criteria. Collection method: clinical testing. Allele origin: germline.

Mayo Clinic Laboratories, Mayo Clinic
Classification: Benign. Last evaluated: 2017-08-24. Review status: criteria provided, single submitter. Criteria: ACMG Guidelines, 2015. Collection method: clinical testing. Allele origin: germline. Observed: 122 variant alleles.

GeneDx
Classification: Benign. Last evaluated: 2016-01-30. Review status: criteria provided, single submitter. Criteria: GeneDx Variant Classification (06012015). Collection method: clinical testing. Allele origin: germline. Affected: yes.
Comment: This variant is considered likely benign or benign based on one or more of the following criteria: it is a conservative change, it occurs at a poorly conserved position in the protein, it is predicted to be benign by multiple in silico algorithms, and/or has population frequency not consistent with disease.

Eurofins Ntd Llc (ga)
Classification: Benign. Last evaluated: 2015-03-10. Review status: criteria provided, single submitter. Criteria: EGL Classification Definitions 2015. Collection method: clinical testing. Allele origin: germline. Observed: 1 variant allele, 1 heterozygote.

Breakthrough Genomics
Classification: Benign. Review status: criteria provided, single submitter. Criteria: ACMG Guidelines, 2015. Collection method: not provided. Allele origin: germline. Inheritance: Autosomal dominant inheritance. Affected: yes.

PreventionGenetics, part of Exact Sciences
Classification: Benign. Review status: criteria provided, single submitter. Criteria: ACMG Guidelines, 2015. Collection method: clinical testing. Allele origin: germline.

NM_000069.3(CACNA1S):c.4615C>T (p.Arg1539Cys)

Gene: CACNA1S (calcium voltage-gated channel subunit alpha1 S; minus strand). Cytogenetic location: 1q32.1.
Variant type: single nucleotide variant.
Coding change: c.4615C>T on transcript NM_000069.3 (MANE Select); coding-DNA position 4615, C replaced by T.
Protein change: p.Arg1539Cys; replaces arginine 1539 with cysteine.
Molecular consequence: missense variant.
Genome position (GRCh38, 1-based): chr1:201,047,168, G>A on the plus strand (C>T on the coding strand, the complement: CACNA1S is on the minus strand). VCF-style: chr1-201047168-G-A. GRCh37 (hg19) VCF-style: chr1-201016296-G-A.
Other names: short protein forms R1539C.
Identifiers: ClinVar variation 197021 (VCV000197021.26), dbSNP rs3850625, ClinGen allele CA004065.